The following is an entry in ClinVar:

NM_022124.6(CDH23):c.10010T>C (p.Leu3337Pro)

Gene: CDH23 (cadherin related 23; plus strand). Cytogenetic location: 10q22.1.
Variant type: single nucleotide variant.
Coding change: c.10010T>C on transcript NM_022124.6 (MANE Select); coding-DNA position 10010, T replaced by C.
Protein change: p.Leu3337Pro; replaces leucine 3337 with proline.
Molecular consequence: missense variant.
Genome position (GRCh38, 1-based): chr10:71,815,223, T>C. VCF-style: chr10-71815223-T-C. GRCh37 (hg19) VCF-style: chr10-73574980-T-C.
Other names: c.3290T>C, p.Leu1097Pro (NM_001171933.1); c.3185T>C, p.Leu1062Pro (NM_001171934.1); c.701T>C, p.Leu234Pro (NM_001171935.1); c.596T>C, p.Leu199Pro (NM_001171936.1); short protein forms L3337P, L234P, L1097P, L1062P, L199P.
Identifiers: ClinVar variation 300479 (VCV000300479.8), dbSNP rs746750273, ClinGen allele CA5547242.

ClinVar aggregate classification (germline): Uncertain significance. Review status: criteria provided, multiple submitters, no conflicts (2 of 4 stars). 4 submissions from 3 submitters: Uncertain significance (4). Last evaluated 2025-04-10.

Conditions:
Inborn genetic diseases. Identifiers: MedGen C0950123, MeSH D030342.
Autosomal recessive nonsyndromic hearing loss 12. Also called: DEAFNESS, AUTOSOMAL RECESSIVE 12. Identifiers: Orphanet 90636, MedGen C1832394, MONDO:0011067, OMIM 601386.
Usher syndrome type 1D (USH1D). Also called: USHER SYNDROME, TYPE ID. Identifiers: Orphanet 231169, Orphanet 886, MedGen C1832845, MONDO:0010984, OMIM 601067.

Allele frequency attached by ClinVar (database versions not stated): gnomAD exomes 0.00001; ExAC 0.00002.

Submissions (4):

Ambry Genetics
Classification: Uncertain significance for Inborn genetic diseases. Last evaluated: 2025-04-10. Review status: criteria provided, single submitter. Criteria: Ambry Variant Classification Scheme 2023. Collection method: clinical testing. Allele origin: germline.

GeneDx
Classification: Uncertain significance. Last evaluated: 2024-11-07. Review status: criteria provided, single submitter. Criteria: GeneDx Variant Classification Process June 2021. Collection method: clinical testing. Allele origin: germline. Affected: yes.
Comment: Not observed at significant frequency in large population cohorts (gnomAD); In silico analysis indicates that this missense variant does not alter protein structure/function; Has not been previously published as pathogenic or benign to our knowledge

Illumina Laboratory Services, Illumina
Classification: Uncertain significance for Autosomal recessive nonsyndromic hearing loss 12. Last evaluated: 2018-01-13. Review status: criteria provided, single submitter. Criteria: ICSL Variant Classification Criteria 13 December 2019. Collection method: clinical testing. Allele origin: germline.

Illumina Laboratory Services, Illumina
Classification: Uncertain significance for Usher syndrome type 1D. Last evaluated: 2018-01-13. Review status: criteria provided, single submitter. Criteria: ICSL Variant Classification Criteria 13 December 2019. Collection method: clinical testing. Allele origin: germline.